The following is an entry in ClinVar:

ClinVar aggregate classification (germline): Pathogenic/Likely pathogenic. Review status: criteria provided, multiple submitters, no conflicts (2 of 4 stars). 4 submissions from 4 submitters: Pathogenic (2); Likely pathogenic (2). Last evaluated 2025-11-17.

Conditions:
Hereditary cancer-predisposing syndrome. Also called: Hereditary neoplastic syndrome; Hereditary Cancer Syndrome; Neoplastic Syndromes, Hereditary; Tumor predisposition. Identifiers: Orphanet 140162, MedGen C0027672, MeSH D009386, MONDO:0015356.
Cardiovascular phenotype. Identifiers: MedGen CN230736.
Neurofibromatosis, type 1 (NF1). Also called: Neurofibromatosis, type I; VON RECKLINGHAUSEN DISEASE; NEUROFIBROMATOSIS, TYPE I, SOMATIC; Peripheral type neurofibromatosis. Identifiers: Orphanet 636, MedGen C0027831, MONDO:0018975, OMIM 162200. Disease mechanism: loss of function.

Submissions (4):

Labcorp Genetics (formerly Invitae), Labcorp
Classification: Pathogenic for Neurofibromatosis, type 1. Last evaluated: 2025-11-17. Review status: criteria provided, single submitter. Criteria: Invitae Variant Classification Sherloc (09022015). Collection method: clinical testing. Allele origin: germline.
Comment: This variant, c.7256_7258del, results in the deletion of 1 amino acid(s) of the NF1 protein (p.Ala2420del), but otherwise preserves the integrity of the reading frame. This variant is not present in population databases (gnomAD no frequency). This variant has been observed in individual(s) with clinical features of neurofibromatosis type 1 (PMID: 25074460; internal data). Invitae Evidence Modeling of clinical and family history, age, sex, and reported ancestry of multiple individuals with this NF1 variant has been performed. This variant is expected to be pathogenic with a positive predictive value of at least 99%. This is a validated machine learning model that incorporates the clinical features of 1,785,918 individuals referred to our laboratory for NF1 testing. ClinVar contains an entry for this variant (Variation ID: 426216). This variant disrupts a region of the NF1 protein in which other variant(s) (p.Ala2420Asp) have been observed in individuals with NF1-related conditions (PMID: 31370276). This suggests that this is a clinically significant region of the protein, and that variants that disrupt it are likely to be disease-causing. For these reasons, this variant has been classified as Pathogenic.

Ambry Genetics
Classification: Pathogenic for Cardiovascular phenotype; Hereditary cancer-predisposing syndrome. Last evaluated: 2025-04-02. Review status: criteria provided, single submitter. Criteria: Ambry Variant Classification Scheme 2023. Collection method: clinical testing. Allele origin: germline.
Comment: The c.7256_7258delCAG variant (also known as p.A2420del) is located in coding exon 48 of the NF1 gene. This variant results from an in-frame CAG deletion at nucleotide positions 7256 to 7258. This results in the in-frame deletion of an alanine at codon 2420. However, this change occurs in the last base pair of coding exon 48, which makes it likely to have some effect on normal mRNA splicing. RNA studies have demonstrated that this alteration results in abnormal splicing in the set of samples tested (Ambry internal data). This variant was reported in individual(s) with features consistent with neurofibromatosis type 1 (Pasmant E et al. Eur J Hum Genet, 2015 May;23:596-601; external communication). This variant is considered to be rare based on population cohorts in the Genome Aggregation Database (gnomAD). This nucleotide position is well conserved in available vertebrate species. In silico splice site analysis predicts that this alteration will weaken the native splice donor site and will result in the creation or strengthening of a novel splice donor site. Based on the supporting evidence, this variant is interpreted as a disease-causing mutation.

Genome Diagnostics Laboratory, The Hospital for Sick Children
Classification: Likely pathogenic for Neurofibromatosis, type 1. Last evaluated: 2020-10-26. Review status: criteria provided, single submitter. Criteria: ACMG Guidelines, 2015. Collection method: clinical testing. Allele origin: germline. Affected: yes.

GeneDx
Classification: Likely pathogenic. Last evaluated: 2017-04-26. Review status: criteria provided, single submitter. Criteria: GeneDx Variant Classification (06012015). Collection method: clinical testing. Allele origin: germline. Affected: yes.
Comment: The c.7256_7258delCAG variant has been reported previously in association with neurofibromatosis type 1 (Pasmant et al., 2015). The deletion results in an in-frame deletion of the conserved Alanine at residue 2420, denoted p.Ala2420del. In silico analysis predicts this variant is probably damaging to the protein structure/function. Additionally, this codon is the final codon of exon 48, and the deletion of these nucleotides may have an effect on splicing. However, in silico splice prediction models are inconsistent in their predictions as to whether or not the variant is damaging to the splice donor site. The variant is not observed in large population cohorts (Lek et al., 2016; 1000 Genomes Consortium et al., 2015; Exome Variant Server). In summary, this variant is likely pathogenic; however, the possibility that it is benign cannot be excluded.

Literature cited by the submitters: PubMed 25074460 (cited by Labcorp Genetics (formerly Invitae), Labcorp and Ambry Genetics); PubMed 31370276 (cited by Labcorp Genetics (formerly Invitae), Labcorp).

NM_001042492.3(NF1):c.7317AGC[1] (p.Ala2441del)

Gene: NF1 (neurofibromin 1; plus strand). Cytogenetic location: 17q11.2.
Variant type: Deletion.
Coding change: c.7317AGC[1] on transcript NM_001042492.3 (MANE Select); one copy of the 3-base unit AGC starting at c.7317.
Protein change: p.Ala2441del; deletes alanine 2441.
Molecular consequence: inframe deletion. On other transcripts: inframe indel (1).
Genome position: GRCh38 VCF-style: chr17-31349246-TAGC-T. GRCh37 (hg19) VCF-style: chr17-29676264-TAGC-T.
Other names: c.7256_7258delCAG, p.Ala2420del (NM_000267.4); c.7319_7321delCAG, p.Ala2441del (NM_001042492.3); short protein forms A2420del, A2441del.
Identifiers: ClinVar variation 426216 (VCV000426216.10), dbSNP rs1085307506, ClinGen allele CA645293902.
Genomic context (GRCh38, chr17:31,349,246, plus strand): 5'-TGGTTAACAAACACAGAAATTGTGACAAATTTGAAGTGAATACACAGAGCGTGGCCTACT[TAGC>T]AGGTAAAAACACAAAATAAACAAAATTAATCTTGCTACATCTATATATAAGGATCACCCA-3'